The following is an entry in ClinVar:

NM_001197104.2(KMT2A):c.2033_2039del (p.Leu678fs)

Gene: KMT2A (lysine methyltransferase 2A; plus strand). Cytogenetic location: 11q23.3.
Variant type: Deletion.
Coding change: c.2033_2039del on transcript NM_001197104.2 (MANE Select); coding-DNA positions 2033 to 2039, 7 bases deleted (TGTTTTC; older notation c.2033_2039delTGTTTTC).
Protein change: p.Leu678fs; shifts the reading frame from leucine 678.
Molecular consequence: frameshift variant.
Genome position (GRCh38, 1-based): chr11:118,473,192-118,473,198, TGTTTTC deleted. VCF-style (leftmost placement, unchanged base first): chr11-118473191-TTGTTTTC-T. GRCh37 (hg19) VCF-style: chr11-118343906-TTGTTTTC-T.
Other names: c.2033_2039del, p.Leu678fs (NM_005933.4); short protein forms L678fs.
Identifiers: ClinVar variation 1452952 (VCV001452952.6), dbSNP rs2134265865, ClinGen allele CA2573146938.

ClinVar aggregate classification (germline): Pathogenic (1 of 4 stars; one submission).

Submission:

Labcorp Genetics (formerly Invitae), Labcorp
Classification: Pathogenic. Last evaluated: 2021-04-29. Review status: criteria provided, single submitter. Criteria: Invitae Variant Classification Sherloc (09022015). Collection method: clinical testing. Allele origin: germline.
Comment: This sequence change creates a premature translational stop signal (p.Leu678Cysfs*18) in the KMT2A gene. It is expected to result in an absent or disrupted protein product. Loss-of-function variants in KMT2A are known to be pathogenic (PMID: 22795537, 25810209, 29574747). For these reasons, this variant has been classified as Pathogenic. This variant has not been reported in the literature in individuals with KMT2A-related conditions. This variant is not present in population databases (ExAC no frequency).

Literature cited by the submitters: PubMed 22795537; PubMed 25810209; PubMed 29574747.